The following is an entry in ClinVar:

ClinVar aggregate classification (germline): Uncertain significance (1 of 4 stars; one submission).

Submission:

GeneDx
Classification: Uncertain significance. Last evaluated: 2025-04-02. Review status: criteria provided, single submitter. Criteria: GeneDx Variant Classification Process June 2021. Collection method: clinical testing. Allele origin: germline. Affected: yes.
Comment: Not observed at significant frequency in large population cohorts (gnomAD); In silico analysis indicates that this missense variant does not alter protein structure/function; Has not been previously published as pathogenic or benign to our knowledge

NM_015021.3(ZNF292):c.4364A>G (p.Gln1455Arg)

Gene: ZNF292 (zinc finger protein 292; plus strand). Cytogenetic location: 6q14.3.
Variant type: single nucleotide variant.
Coding change: c.4364A>G on transcript NM_015021.3 (MANE Select); coding-DNA position 4364, A replaced by G.
Protein change: p.Gln1455Arg; replaces glutamine 1455 with arginine.
Molecular consequence: missense variant.
Genome position (GRCh38, 1-based): chr6:87,257,993, A>G. VCF-style: chr6-87257993-A-G. GRCh37 (hg19) VCF-style: chr6-87967711-A-G.
Other names: c.3944A>G, p.Gln1315Arg (NM_001351444.2); short protein forms Q1315R, Q1455R.
Identifiers: ClinVar variation 4278879 (VCV004278879.1).